The following is an entry in ClinVar:

ClinVar aggregate classification (germline): Uncertain significance. Review status: criteria provided, multiple submitters, no conflicts (2 of 4 stars). 2 submissions from 2 submitters: Uncertain significance (2). Last evaluated 2025-06-12.

Conditions:
Bone mineral density quantitative trait locus 1 (BMND1). Identifiers: MedGen C1866079, OMIM 601884.
Worth disease. Also called: ENDOSTEAL HYPEROSTOSIS, AUTOSOMAL DOMINANT; OSTEOSCLEROSIS, AUTOSOMAL DOMINANT; Autosomal dominant osteosclerosis, Worth type. Identifiers: Orphanet 2790, MedGen C0432273, MONDO:0007764, OMIM 144750.
Exudative vitreoretinopathy 4 (EVR4). Identifiers: Orphanet 891, MedGen C1866176, MONDO:0011151, OMIM 601813.
Osteoporosis. Identifiers: MedGen C0029456, MONDO:0005298, OMIM 166710, HP:0000939.
Polycystic liver disease 4 with or without kidney cysts. Identifiers: MedGen C4693479, MONDO:0044327, OMIM 617875.
Exudative vitreoretinopathy 1 (EVR1). Also called: CRISWICK-SCHEPENS SYNDROME; FEVR, AUTOSOMAL DOMINANT; Familial exudative vitreoretinopathy, autosomal dominant. Identifiers: Orphanet 891, Orphanet 90050, MedGen C1851402, MONDO:0007589, OMIM 133780.
Autosomal dominant osteopetrosis 1 (OPTA1). Also called: OSTEOPETROSIS, AUTOSOMAL DOMINANT, TYPE I. Identifiers: Orphanet 2783, MedGen C1843330, MONDO:0011877, OMIM 607634.
Osteoporosis with pseudoglioma (OPPG). Also called: osteoporosis-pseudoglioma syndrome. Identifiers: Orphanet 2788, MedGen C0432252, MONDO:0009820, OMIM 259770.

Allele frequency attached by ClinVar (database versions not stated): gnomAD exomes below 0.00001; gnomAD 0.00001; TOPMed 0.00002.
gnomAD v4.1: 4 of 1,613,956 alleles (0.00025%); highest among the groups gnomAD compares: African/African-American, 0.004%; no homozygotes.

Submissions (2):

Labcorp Genetics (formerly Invitae), Labcorp
Classification: Uncertain significance. Last evaluated: 2025-06-12. Review status: criteria provided, single submitter. Criteria: Invitae Variant Classification Sherloc (09022015). Collection method: clinical testing. Allele origin: germline.
Comment: This sequence change replaces isoleucine, which is neutral and non-polar, with valine, which is neutral and non-polar, at codon 1521 of the LRP5 protein (p.Ile1521Val). This variant is not present in population databases (gnomAD no frequency). This variant has not been reported in the literature in individuals affected with LRP5-related conditions. ClinVar contains an entry for this variant (Variation ID: 999420). Invitae Evidence Modeling of protein sequence and biophysical properties (such as structural, functional, and spatial information, amino acid conservation, physicochemical variation, residue mobility, and thermodynamic stability) indicates that this missense variant is not expected to disrupt LRP5 protein function with a negative predictive value of 95%. In summary, the available evidence is currently insufficient to determine the role of this variant in disease. Therefore, it has been classified as a Variant of Uncertain Significance.

Fulgent Genetics
Classification: Uncertain significance for Exudative vitreoretinopathy 1; Worth disease; Osteoporosis; Osteoporosis with pseudoglioma; Exudative vitreoretinopathy 4; Bone mineral density quantitative trait locus 1; Autosomal dominant osteopetrosis 1; Polycystic liver disease 4 with or without kidney cysts. Last evaluated: 2022-02-28. Review status: criteria provided, single submitter. Criteria: ACMG Guidelines, 2015. Collection method: clinical testing. Allele origin: unknown.

NM_002335.4(LRP5):c.4561A>G (p.Ile1521Val)

Gene: LRP5 (LDL receptor related protein 5; plus strand). Cytogenetic location: 11q13.2.
Variant type: single nucleotide variant.
Coding change: c.4561A>G on transcript NM_002335.4 (MANE Select); coding-DNA position 4561, A replaced by G.
Protein change: p.Ile1521Val; replaces isoleucine 1521 with valine.
Molecular consequence: missense variant.
Genome position (GRCh38, 1-based): chr11:68,446,508, A>G. VCF-style: chr11-68446508-A-G. GRCh37 (hg19) VCF-style: chr11-68213976-A-G.
Other names: c.2818A>G, p.Ile940Val (NM_001291902.2); short protein forms I1521V, I940V.
Identifiers: ClinVar variation 999420 (VCV000999420.10), dbSNP rs1371991892, ClinGen allele CA381617087.